The following is an entry in ClinVar:

NM_003743.5(NCOA1):c.3143C>T (p.Pro1048Leu)

Gene: NCOA1 (nuclear receptor coactivator 1; plus strand). Cytogenetic location: 2p23.3.
Variant type: single nucleotide variant.
Coding change: c.3143C>T on transcript NM_003743.5 (MANE Select); coding-DNA position 3143, C replaced by T.
Protein change: p.Pro1048Leu; replaces proline 1048 with leucine.
Molecular consequence: missense variant.
Genome position (GRCh38, 1-based): chr2:24,729,757, C>T. VCF-style: chr2-24729757-C-T. GRCh37 (hg19) VCF-style: chr2-24952626-C-T.
Other names: c.3143C>T, p.Pro1048Leu (NM_001362950.1, NM_001362952.1, NM_001362954.1 and 3 more transcripts); short protein forms P1048L.
Identifiers: ClinVar variation 3352949 (VCV003352949.1).

ClinVar aggregate classification (germline): Uncertain significance (0 of 4 stars; one submission).

Conditions:
NCOA1-related disorder. Also called: NCOA1-related condition.

Submission:

PreventionGenetics, part of Exact Sciences
Classification: Uncertain significance for NCOA1-related condition. Last evaluated: 2024-05-19. Review status: no assertion criteria provided. Collection method: clinical testing. Allele origin: germline.
Comment: The NCOA1 c.3143C>T variant is predicted to result in the amino acid substitution p.Pro1048Leu. To our knowledge, this variant has not been reported in the literature. This variant is reported in 0.015% of alleles in individuals of East Asian descent in gnomAD. At this time, the clinical significance of this variant is uncertain due to the absence of conclusive functional and genetic evidence.